The following is an entry in ClinVar:

ClinVar aggregate classification (germline): Uncertain significance (1 of 4 stars; one submission).

Conditions:
Familial temporal lobe epilepsy 7. Identifiers: Orphanet 101046, MedGen C4225327, MONDO:0014639, OMIM 616436.
Norman-Roberts syndrome (LIS2). Also called: Lissencephaly 2 (Norman-Roberts type). Identifiers: Orphanet 89844, MedGen C0796089, MONDO:0009760, OMIM 257320.

gnomAD v4.1: 1 of 1,613,974 alleles (0.000062%); highest among the groups gnomAD compares: South Asian, 0.0011%; no homozygotes.

Submission:

Labcorp Genetics (formerly Invitae), Labcorp
Classification: Uncertain significance for Familial temporal lobe epilepsy 7; Norman-Roberts syndrome. Last evaluated: 2020-12-30. Review status: criteria provided, single submitter. Criteria: Invitae Variant Classification Sherloc (09022015). Collection method: clinical testing. Allele origin: germline.
Comment: This variant is not present in population databases (ExAC no frequency). This variant has not been reported in the literature in individuals with RELN-related conditions. Algorithms developed to predict the effect of missense changes on protein structure and function (SIFT, PolyPhen-2, Align-GVGD) all suggest that this variant is likely to be tolerated, but these predictions have not been confirmed by published functional studies and their clinical significance is uncertain. In summary, the available evidence is currently insufficient to determine the role of this variant in disease. Therefore, it has been classified as a Variant of Uncertain Significance. This sequence change replaces glycine with alanine at codon 398 of the RELN protein (p.Gly398Ala). The glycine residue is highly conserved and there is a small physicochemical difference between glycine and alanine.

NM_005045.4(RELN):c.1193G>C (p.Gly398Ala)

Gene: RELN (reelin; minus strand). Cytogenetic location: 7q22.1.
Variant type: single nucleotide variant.
Coding change: c.1193G>C on transcript NM_005045.4 (MANE Select); coding-DNA position 1193, G replaced by C.
Protein change: p.Gly398Ala; replaces glycine 398 with alanine.
Molecular consequence: missense variant.
Genome position (GRCh38, 1-based): chr7:103,682,212, C>G on the plus strand (G>C on the coding strand, the complement: RELN is on the minus strand). VCF-style: chr7-103682212-C-G. GRCh37 (hg19) VCF-style: chr7-103322659-C-G.
Other names: c.1193G>C, p.Gly398Ala (NM_173054.3); short protein forms G398A.
Identifiers: ClinVar variation 1430046 (VCV001430046.8), dbSNP rs766992224, ClinGen allele CA368926569.